The following is an entry in ClinVar:

ClinVar aggregate classification (germline): Uncertain significance. Review status: criteria provided, multiple submitters, no conflicts (2 of 4 stars). 2 submissions from 2 submitters: Uncertain significance (2). Last evaluated 2025-10-18.

Conditions:
Inborn genetic diseases. Identifiers: MedGen C0950123, MeSH D030342.
Episodic ataxia type 1 (EA1). Also called: Episodic ataxia/myokymia syndrome; MYOKYMIA WITH PERIODIC ATAXIA; PAROXYSMAL ATAXIA WITH NEUROMYOTONIA, HEREDITARY; ATAXIA, EPISODIC, WITH MYOKYMIA. Identifiers: Orphanet 37612, Orphanet 972, MedGen C1719788, MONDO:0008047, OMIM 160120.

Submissions (2):

Ambry Genetics
Classification: Uncertain significance for Inborn genetic diseases. Last evaluated: 2025-10-18. Review status: criteria provided, single submitter. Criteria: Ambry Variant Classification Scheme 2023. Collection method: clinical testing. Allele origin: germline.

Labcorp Genetics (formerly Invitae), Labcorp
Classification: Uncertain significance for Episodic ataxia type 1. Last evaluated: 2024-11-11. Review status: criteria provided, single submitter. Criteria: Invitae Variant Classification Sherloc (09022015). Collection method: clinical testing. Allele origin: germline.
Comment: This sequence change replaces methionine, which is neutral and non-polar, with valine, which is neutral and non-polar, at codon 461 of the KCNA1 protein (p.Met461Val). This variant is not present in population databases (gnomAD no frequency). This variant has not been reported in the literature in individuals affected with KCNA1-related conditions. ClinVar contains an entry for this variant (Variation ID: 2172979). Invitae Evidence Modeling of protein sequence and biophysical properties (such as structural, functional, and spatial information, amino acid conservation, physicochemical variation, residue mobility, and thermodynamic stability) indicates that this missense variant is not expected to disrupt KCNA1 protein function with a negative predictive value of 80%. In summary, the available evidence is currently insufficient to determine the role of this variant in disease. Therefore, it has been classified as a Variant of Uncertain Significance.

NM_000217.3(KCNA1):c.1381A>G (p.Met461Val)

Gene: KCNA1 (potassium voltage-gated channel subfamily A member 1; plus strand). Cytogenetic location: 12p13.32.
Variant type: single nucleotide variant.
Coding change: c.1381A>G on transcript NM_000217.3 (MANE Select); coding-DNA position 1381, A replaced by G.
Protein change: p.Met461Val; replaces methionine 461 with valine.
Molecular consequence: missense variant.
Genome position (GRCh38, 1-based): chr12:4,912,759, A>G. VCF-style: chr12-4912759-A-G. GRCh37 (hg19) VCF-style: chr12-5021925-A-G.
Other names: c.1381A>G (NM_000217.2); short protein forms M461V.
Identifiers: ClinVar variation 2172979 (VCV002172979.5), dbSNP rs2497354359, ClinGen allele CA383456658.